The following is an entry in ClinVar:

NM_002489.4(NDUFA4):c.43-18_43-14del

Gene: NDUFA4 (NDUFA4 mitochondrial complex associated; minus strand). Cytogenetic location: 7p21.3.
Variant type: Deletion.
Coding change: c.43-18_43-14del on transcript NM_002489.4 (MANE Select); 18 bases into the intron before coding-DNA position 43 through 14 bases into the intron before coding-DNA position 43, 5 bases deleted (ATTTT; older notation c.43-18_43-14delATTTT).
Molecular consequence: intron variant.
Genome position (GRCh38, 1-based): chr7:10,938,910-10,938,914, AAAAT deleted on the plus strand (ATTTT on the coding strand, the reverse complement: NDUFA4 is on the minus strand); deleting any 5 consecutive bases within chr7:10,938,910-10,938,915 gives the same sequence; the c. name uses the placement nearest the transcript's 3' end. VCF-style (leftmost placement, unchanged base first): chr7-10938909-CAAAAT-C. GRCh37 (hg19) VCF-style: chr7-10978536-CAAAAT-C.
Identifiers: ClinVar variation 2974948 (VCV002974948.1), dbSNP rs754079421, ClinGen allele CA4162622.

ClinVar aggregate classification (germline): Uncertain significance (1 of 4 stars; one submission).

Submission:

Labcorp Genetics (formerly Invitae), Labcorp
Classification: Uncertain significance. Last evaluated: 2023-03-21. Review status: criteria provided, single submitter. Criteria: Invitae Variant Classification Sherloc (09022015). Collection method: clinical testing. Allele origin: germline.
Comment: In summary, the available evidence is currently insufficient to determine the role of this variant in disease. Therefore, it has been classified as a Variant of Uncertain Significance. Algorithms developed to predict the effect of sequence changes on RNA splicing suggest that this variant may create or strengthen a splice site. This variant has not been reported in the literature in individuals affected with NDUFA4-related conditions. This variant is present in population databases (rs754079421, gnomAD 0.01%). This sequence change falls in intron 1 of the NDUFA4 gene. It does not directly change the encoded amino acid sequence of the NDUFA4 protein.